The following is an entry in ClinVar:

NM_001382567.1(STIM1):c.736A>G (p.Lys246Glu)

Gene: STIM1 (stromal interaction molecule 1; plus strand). Cytogenetic location: 11p15.4.
Variant type: single nucleotide variant.
Coding change: c.736A>G on transcript NM_001382567.1 (MANE Select); coding-DNA position 736, A replaced by G.
Protein change: p.Lys246Glu; replaces lysine 246 with glutamic acid.
Molecular consequence: missense variant. On other transcripts: non-coding transcript variant (2).
Genome position (GRCh38, 1-based): chr11:4,070,148, A>G. VCF-style: chr11-4070148-A-G. GRCh37 (hg19) VCF-style: chr11-4091378-A-G.
Other names: c.736A>G, p.Lys246Glu (NM_001277961.3, NM_001277962.2, NM_001382568.1 and 2 more transcripts); c.514A>G, p.Lys172Glu (NM_001382566.1, NM_001382573.1, NM_001382574.1 and 5 more transcripts); c.601A>G, p.Lys201Glu (NM_001382569.1); c.508A>G, p.Lys170Glu (NM_001382570.1); c.256A>G, p.Lys86Glu (NM_001382571.1); c.247A>G, p.Lys83Glu (NM_001382580.1, NM_001382581.1); short protein forms K170E, K172E, K201E, K246E, K83E, K86E.
Identifiers: ClinVar variation 4885617 (VCV004885617.2).

ClinVar aggregate classification (germline): Uncertain significance (1 of 4 stars; one submission).

Submission:

Dasa
Classification: Uncertain significance. Last evaluated: 2025-05-19. Review status: criteria provided, single submitter. Criteria: DASA Assertion Criteria. Collection method: clinical testing. Allele origin: germline.
Comment: NM_001382567.1(STIM1):c.736A>G (p.Lys246Glu) is a missense variant that results in the substitution of lysine with glutamic acid. This variant is absent from population databases. The currently available literature and clinical evidence are not sufficient to establish a definitive association between this variant and the reported condition. Therefore, this variant is classified as a variant of uncertain significance.